The following is an entry in ClinVar:

ClinVar aggregate classification (germline): Likely benign. Review status: criteria provided, multiple submitters, no conflicts (2 of 4 stars). 3 submissions from 3 submitters: Likely benign (3). Last evaluated 2025-12-20.

Conditions:
Early-infantile DEE. Also called: Ohtahara syndrome; Early infantile epileptic encephalopathy with suppression bursts; Early infantile epileptic encephalopathy. Identifiers: Orphanet 1934, MedGen C0393706, MONDO:0800491.

Allele frequency attached by ClinVar (database versions not stated): gnomAD exomes 0.00001; ExAC 0.00002; ESP Exome Variant Server 0.00008; gnomAD 0.00009 and 0.00011; TOPMed 0.00011.
gnomAD v4.1: 31 of 1,612,352 alleles (0.0019%); highest among the groups gnomAD compares: African/African-American, 0.037%; no homozygotes.

Submissions (3):

Labcorp Genetics (formerly Invitae), Labcorp
Classification: Likely benign for Early-infantile DEE. Last evaluated: 2025-12-20. Review status: criteria provided, single submitter. Criteria: Invitae Variant Classification Sherloc (09022015). Collection method: clinical testing. Allele origin: germline.

Blueprint Genetics
Classification: Likely benign. Last evaluated: 2021-03-04. Review status: criteria provided, single submitter. Criteria: ACMG Guidelines, 2015. Collection method: clinical testing. Allele origin: germline.

GeneDx
Classification: Likely benign. Last evaluated: 2017-08-03. Review status: criteria provided, single submitter. Criteria: GeneDx Variant Classification (06012015). Collection method: clinical testing. Allele origin: germline. Affected: yes.
Comment: This variant is considered likely benign or benign based on one or more of the following criteria: it is a conservative change, it occurs at a poorly conserved position in the protein, it is predicted to be benign by multiple in silico algorithms, and/or has population frequency not consistent with disease.

NM_001130438.3(SPTAN1):c.1324-12T>C

Gene: SPTAN1 (spectrin alpha, non-erythrocytic 1; plus strand). Cytogenetic location: 9q34.11.
Variant type: single nucleotide variant.
Coding change: c.1324-12T>C on transcript NM_001130438.3 (MANE Select); 12 bases into the intron before coding-DNA position 1324, T replaced by C.
Molecular consequence: intron variant.
Genome position (GRCh38, 1-based): chr9:128,580,910, T>C. VCF-style: chr9-128580910-T-C. GRCh37 (hg19) VCF-style: chr9-131343189-T-C.
Other names: c.1324-12T>C (NM_001363759.2, NM_003127.4, NM_001363765.2 and 1 more transcripts).
Identifiers: ClinVar variation 390818 (VCV000390818.10), dbSNP rs371641680, ClinGen allele CA5264367.